The following is an entry in ClinVar:

ClinVar aggregate classification (germline): Conflicting classifications of pathogenicity. Review status: criteria provided, conflicting classifications (1 of 4 stars). 4 submissions from 4 submitters: Uncertain significance (2); Likely benign (2). Last evaluated 2026-01-05.

Conditions:
Hypercholesterolemia, autosomal dominant, type B (FHCL2). Also called: APOB-Related Familial Hypercholesterolemia, Autosomal Dominant; Hyperlipoproteinemia Type IIb; Familial Hypercholesterolemia Type B; APOLIPOPROTEIN B-100, FAMILIAL DEFECTIVE; APOLIPOPROTEIN B-100, FAMILIAL LIGAND-DEFECTIVE; Familial hypercholesterolemia 2. Identifiers: MedGen C1704417, MONDO:0007751, OMIM 144010.
Familial hypobetalipoproteinemia 1. Also called: APOB-Related Familial Hypobetalipoproteinemia; Hypobetalipoproteinemia, normotriglyceridemic; Acanthocytosis with hypobetalipoproteinemia. Identifiers: MedGen C4551990, MONDO:0014252, OMIM 615558.
Cardiovascular phenotype. Identifiers: MedGen CN230736.

Allele frequency attached by ClinVar (database versions not stated): gnomAD exomes 0.00001 and 0.00004; TOPMed 0.00003; gnomAD 0.00004 and 0.00001; ExAC 0.00007; 1000 Genomes Project 30x 0.00062; 1000 Genomes Project 0.00080.
gnomAD v4.1: 26 of 1,614,170 alleles (0.0016%); highest among the groups gnomAD compares: East Asian, 0.036%; no homozygotes.

Submissions (4):

Labcorp Genetics (formerly Invitae), Labcorp
Classification: Likely benign for Familial hypobetalipoproteinemia 1; Hypercholesterolemia, autosomal dominant, type B. Last evaluated: 2026-01-05. Review status: criteria provided, single submitter. Criteria: Invitae Variant Classification Sherloc (09022015). Collection method: clinical testing. Allele origin: germline.

Molecular Diagnostic Laboratory for Inherited Cardiovascular Disease, Montreal Heart Institute
Classification: Uncertain significance for Cardiovascular phenotype. Last evaluated: 2025-04-09. Review status: criteria provided, single submitter. Criteria: ACMG Guidelines, 2015. Collection method: clinical testing. Allele origin: germline. Affected: yes.
Comment: BP4

Fulgent Genetics
Classification: Uncertain significance for Hypercholesterolemia, autosomal dominant, type B; Familial hypobetalipoproteinemia 1. Last evaluated: 2021-10-28. Review status: criteria provided, single submitter. Criteria: ACMG Guidelines, 2015. Collection method: clinical testing. Allele origin: unknown.

Ambry Genetics
Classification: Likely benign for Cardiovascular phenotype. Last evaluated: 2021-08-03. Review status: criteria provided, single submitter. Criteria: Ambry Variant Classification Scheme 2023. Collection method: clinical testing. Allele origin: germline.

NM_000384.3(APOB):c.4156C>T (p.Arg1386Trp)

Gene: APOB (apolipoprotein B; minus strand). Cytogenetic location: 2p24.1.
Variant type: single nucleotide variant.
Coding change: c.4156C>T on transcript NM_000384.3 (MANE Select); coding-DNA position 4156, C replaced by T.
Protein change: p.Arg1386Trp; replaces arginine 1386 with tryptophan.
Molecular consequence: missense variant.
Genome position (GRCh38, 1-based): chr2:21,013,220, G>A on the plus strand (C>T on the coding strand, the complement: APOB is on the minus strand). VCF-style: chr2-21013220-G-A. GRCh37 (hg19) VCF-style: chr2-21236092-G-A.
Other names: short protein forms R1386W.
Identifiers: ClinVar variation 630311 (VCV000630311.19), dbSNP rs201270852, ClinGen allele CA060590.